The following is an entry in ClinVar:

NM_002471.4(MYH6):c.3022G>A (p.Ala1008Thr)

Gene: MYH6 (myosin heavy chain 6; minus strand). Cytogenetic location: 14q11.2.
Variant type: single nucleotide variant.
Coding change: c.3022G>A on transcript NM_002471.4 (MANE Select); coding-DNA position 3022, G replaced by A.
Protein change: p.Ala1008Thr; replaces alanine 1008 with threonine.
Molecular consequence: missense variant.
Genome position (GRCh38, 1-based): chr14:23,393,425, C>T on the plus strand (G>A on the coding strand, the complement: MYH6 is on the minus strand). VCF-style: chr14-23393425-C-T. GRCh37 (hg19) VCF-style: chr14-23862634-C-T.
Other names: short protein forms A1008T.
Identifiers: ClinVar variation 3661030 (VCV003661030.2).

ClinVar aggregate classification (germline): Uncertain significance (1 of 4 stars; one submission).

Conditions:
Hypertrophic cardiomyopathy 14. Identifiers: MedGen C2750467, MONDO:0013197, OMIM 613251.

gnomAD v4.1: 3 of 1,614,182 alleles (0.00019%); highest among the groups gnomAD compares: African/African-American, 0.0027%; no homozygotes.

Submission:

Labcorp Genetics (formerly Invitae), Labcorp
Classification: Uncertain significance for Hypertrophic cardiomyopathy 14. Last evaluated: 2024-03-09. Review status: criteria provided, single submitter. Criteria: Invitae Variant Classification Sherloc (09022015). Collection method: clinical testing. Allele origin: germline.
Comment: This sequence change replaces alanine, which is neutral and non-polar, with threonine, which is neutral and polar, at codon 1008 of the MYH6 protein (p.Ala1008Thr). This variant is not present in population databases (gnomAD no frequency). This variant has not been reported in the literature in individuals affected with MYH6-related conditions. Advanced modeling of protein sequence and biophysical properties (such as structural, functional, and spatial information, amino acid conservation, physicochemical variation, residue mobility, and thermodynamic stability) performed at Invitae indicates that this missense variant is not expected to disrupt MYH6 protein function with a negative predictive value of 80%. In summary, the available evidence is currently insufficient to determine the role of this variant in disease. Therefore, it has been classified as a Variant of Uncertain Significance.